The following is an entry in ClinVar:

ClinVar aggregate classification (germline): Pathogenic. Review status: reviewed by expert panel (3 of 4 stars). 2 submissions from 2 submitters: Pathogenic (1). 1 of the submissions does not count toward it. Last evaluated 2020-05-14.

Conditions:
Phenylketonuria (PKU). Also called: OLIGOPHRENIA PHENYLPYRUVICA; Phenylketonurias; Phenylketonuria (PKU); FOLLING DISEASE. Identifiers: Orphanet 716, MedGen C0031485, MONDO:0009861, OMIM 261600. Disease mechanism: loss of function.

Submissions (2):

ClinGen PAH Variant Curation Expert Panel
Classification: Pathogenic for Phenylketonuria. Last evaluated: 2020-05-14. Review status: reviewed by expert panel. Criteria: ClinGen PAH ACMG Specifications v1. Collection method: curation. Allele origin: germline. Inheritance: Autosomal recessive inheritance.
Comment: BH4 deficiency was excluded by analysis of urinary pterins and dihydropteridine reductase activity in erythrocytes (PP4-Moderate). Null variant, canonical -2 splice sites, is in a gene where LOF is a known mechanism of disease. Exon skipping disrupts the reading frame. Altered region is critical to protein function. Not predicted to undergo NMD, because coding exon number is 13 out of 13 coding exons (PVS1-Strong). Variant was found in trans with a pathogenic variant p.R241C (PMID: 26322415). All mutations identified in patients were confirmed by analyzing parental DNA via Sanger automated sequencing (PM3). Variant is absent from controls in gnomAD, PAGE, 1000 Genomes, or ESP (PM2). In summary, this variant meets criteria to be classified as pathogenic for PAH. PAH-specific ACMG/AMP criteria applied: PVS1-Strong, PM2, PP4-Moderate, PM3.

Baylor Genetics
Classification: Pathogenic for Phenylketonuria. Last evaluated: 2022-12-18. Review status: criteria provided, single submitter. Criteria: ACMG Guidelines, 2015. Collection method: clinical testing. Allele origin: unknown. Not counted in ClinVar's aggregate classification.

Literature cited by the submitters: PubMed 26322415 (cited by ClinGen PAH Variant Curation Expert Panel).

NM_000277.3(PAH):c.1316-2A>C

Gene: PAH (phenylalanine hydroxylase; minus strand). Cytogenetic location: 12q23.2.
Variant type: single nucleotide variant.
Coding change: c.1316-2A>C on transcript NM_000277.3 (MANE Select); the canonical splice acceptor site of the intron before coding-DNA position 1316, A replaced by C.
Molecular consequence: splice acceptor variant.
Genome position (GRCh38, 1-based): chr12:102,839,220, T>G on the plus strand (A>C on the coding strand, the complement: PAH is on the minus strand). VCF-style: chr12-102839220-T-G. GRCh37 (hg19) VCF-style: chr12-103232998-T-G.
Other names: c.1316-2A>C (NM_001354304.2).
Identifiers: ClinVar variation 932265 (VCV000932265.2), dbSNP rs760830761, ClinGen allele CA16020996.